The following is an entry in ClinVar:

ClinVar aggregate classification (germline): Uncertain significance. Review status: criteria provided, multiple submitters, no conflicts (2 of 4 stars). 3 submissions from 3 submitters: Uncertain significance (3). Last evaluated 2025-02-21.

Conditions:
Inborn genetic diseases. Identifiers: MedGen C0950123, MeSH D030342.
3MC syndrome 1. Also called: MICHELS SYNDROME; CRANIOSYNOSTOSIS WITH LID ANOMALIES; OCULOPALATOSKELETAL SYNDROME. Identifiers: Orphanet 293843, MedGen C0796059, MONDO:0009770, OMIM 257920.

Allele frequency attached by ClinVar (database versions not stated): gnomAD exomes 0.00009 and 0.00023; TOPMed 0.00010; ExAC 0.00011; gnomAD 0.00012 and 0.00014; ESP Exome Variant Server 0.00023.
gnomAD v4.1: 352 of 1,613,920 alleles (0.022%); highest among the groups gnomAD compares: Non-Finnish European, 0.028%; no homozygotes.

Submissions (3):

Ambry Genetics
Classification: Uncertain significance for Inborn genetic diseases. Last evaluated: 2025-02-21. Review status: criteria provided, single submitter. Criteria: Ambry Variant Classification Scheme 2023. Collection method: clinical testing. Allele origin: germline.

Fulgent Genetics
Classification: Uncertain significance for 3MC syndrome 1. Last evaluated: 2022-04-11. Review status: criteria provided, single submitter. Criteria: ACMG Guidelines, 2015. Collection method: clinical testing. Allele origin: unknown.

Labcorp Genetics (formerly Invitae), Labcorp
Classification: Uncertain significance for 3MC syndrome 1. Last evaluated: 2021-09-01. Review status: criteria provided, single submitter. Criteria: Invitae Variant Classification Sherloc (09022015). Collection method: clinical testing. Allele origin: germline.
Comment: This sequence change replaces serine with phenylalanine at codon 396 of the MASP1 protein (p.Ser396Phe). The serine residue is highly conserved and there is a large physicochemical difference between serine and phenylalanine. This variant is present in population databases (rs199907557, ExAC 0.02%). This variant has not been reported in the literature in individuals affected with MASP1-related conditions. Algorithms developed to predict the effect of missense changes on protein structure and function are either unavailable or do not agree on the potential impact of this missense change (SIFT: "Tolerated"; PolyPhen-2: "Possibly Damaging"; Align-GVGD: "Class C0"). In summary, the available evidence is currently insufficient to determine the role of this variant in disease. Therefore, it has been classified as a Variant of Uncertain Significance.

NM_139125.4(MASP1):c.1187C>T (p.Ser396Phe)

Gene: MASP1 (MBL associated serine protease 1; minus strand). Cytogenetic location: 3q27.3.
Variant type: single nucleotide variant.
Coding change: c.1187C>T on transcript NM_139125.4 (MANE Select); coding-DNA position 1187, C replaced by T.
Protein change: p.Ser396Phe; replaces serine 396 with phenylalanine.
Molecular consequence: missense variant. On other transcripts: non-coding transcript variant (1).
Genome position (GRCh38, 1-based): chr3:187,243,525, G>A on the plus strand (C>T on the coding strand, the complement: MASP1 is on the minus strand). VCF-style: chr3-187243525-G-A. GRCh37 (hg19) VCF-style: chr3-186961313-G-A.
Other names: c.1187C>T, p.Ser396Phe (NM_001879.6); short protein forms S396F.
Identifiers: ClinVar variation 463033 (VCV000463033.6), dbSNP rs199907557, ClinGen allele CA2749336.